The following is an entry in ClinVar:

NC_000010.11:g.(?_68161709)_(68161772_?)del

Gene: MYPN (myopalladin; plus strand). Cytogenetic location: 10q21.3.
Variant type: Deletion.
Identifiers: ClinVar variation 584243 (VCV000584243.7).

ClinVar aggregate classification (germline): Uncertain significance (1 of 4 stars; one submission).

Conditions:
Dilated cardiomyopathy 1KK (CMD1KK). Identifiers: Orphanet 154, Orphanet 75249, MedGen C3714995, MONDO:0014100, OMIM 615248.

Submission:

Labcorp Genetics (formerly Invitae), Labcorp
Classification: Uncertain significance for Dilated cardiomyopathy 1KK. Last evaluated: 2022-05-31. Review status: criteria provided, single submitter. Criteria: Invitae Variant Classification Sherloc (09022015). Collection method: clinical testing. Allele origin: germline.
Comment: This variant is a gross deletion of the genomic region encompassing exon(s) 8 of the MYPN gene. This variant would be expected to be in-frame, preserving the integrity of the reading frame. This variant has not been reported in the literature in individuals affected with MYPN-related conditions. Experimental studies and prediction algorithms are not available or were not evaluated, and the functional significance of this variant is currently unknown. In summary, the available evidence is currently insufficient to determine the role of this variant in disease. Therefore, it has been classified as a Variant of Uncertain Significance.